The following is an entry in ClinVar:

NM_182961.4(SYNE1):c.19561G>C (p.Glu6521Gln)

Gene: SYNE1 (spectrin repeat containing nuclear envelope protein 1; minus strand). Cytogenetic location: 6q25.2.
Variant type: single nucleotide variant.
Coding change: c.19561G>C on transcript NM_182961.4 (MANE Select); coding-DNA position 19561, G replaced by C.
Protein change: p.Glu6521Gln; replaces glutamic acid 6521 with glutamine.
Molecular consequence: missense variant.
Genome position (GRCh38, 1-based): chr6:152,249,172, C>G on the plus strand (G>C on the coding strand, the complement: SYNE1 is on the minus strand). VCF-style: chr6-152249172-C-G. GRCh37 (hg19) VCF-style: chr6-152570307-C-G.
Other names: c.19348G>C, p.Glu6450Gln (NM_033071.5); short protein forms E6450Q, E6521Q.
Identifiers: ClinVar variation 2436581 (VCV002436581.4), dbSNP rs199560890, ClinGen allele CA4054650.

ClinVar aggregate classification (germline): Uncertain significance. Review status: criteria provided, multiple submitters, no conflicts (2 of 4 stars). 2 submissions from 2 submitters: Uncertain significance (2). Last evaluated 2025-02-15.

Allele frequency attached by ClinVar (database versions not stated): ExAC 0.00001; gnomAD 0.00001; 1000 Genomes Project 30x 0.00016; 1000 Genomes Project 0.00020.
gnomAD v4.1: 44 of 1,612,220 alleles (0.0027%); highest among the groups gnomAD compares: East Asian, 0.098%; no homozygotes.

Submissions (2):

GeneDx
Classification: Uncertain significance. Last evaluated: 2025-02-15. Review status: criteria provided, single submitter. Criteria: GeneDx Variant Classification Process June 2021. Collection method: clinical testing. Allele origin: germline. Affected: yes.
Comment: In silico analysis indicates that this missense variant does not alter protein structure/function; Has not been previously published as pathogenic or benign to our knowledge

Revvity Omics, Revvity
Classification: Uncertain significance. Last evaluated: 2022-04-19. Review status: criteria provided, single submitter. Criteria: ACMG Guidelines, 2015. Collection method: clinical testing. Allele origin: germline.